The following is an entry in ClinVar:

NM_006922.4(SCN3A):c.1180C>T (p.Arg394Cys)

Gene: SCN3A (sodium voltage-gated channel alpha subunit 3; minus strand). Cytogenetic location: 2q24.3.
Variant type: single nucleotide variant.
Coding change: c.1180C>T on transcript NM_006922.4 (MANE Select); coding-DNA position 1180, C replaced by T.
Protein change: p.Arg394Cys; replaces arginine 394 with cysteine.
Molecular consequence: missense variant.
Genome position (GRCh38, 1-based): chr2:165,154,652, G>A on the plus strand (C>T on the coding strand, the complement: SCN3A is on the minus strand). VCF-style: chr2-165154652-G-A. GRCh37 (hg19) VCF-style: chr2-166011162-G-A.
Other names: c.1180C>T, p.Arg394Cys (NM_001081676.2, NM_001081677.2); short protein forms R394C.
Identifiers: ClinVar variation 3902867 (VCV003902867.1).
Genomic context (GRCh38, chr2:165,154,652, plus strand): 5'-AAAATGAGCCCAAGAAAATGACCAGGACAAAAAATATCATGTATGTTTTCCCAGCAGCAC[G>A]TAATGTCTAGGGGAAATGGGGGATAATTCCATCAGTATTTTAGTATAATGTCCCCAAATA-3'
Protein context (NP_008853.3, residues 384-404): YWENLYQLTL[Arg394Cys]AAGKTYMIFF

ClinVar aggregate classification (germline): Uncertain significance (1 of 4 stars; one submission).

gnomAD v4.1: 5 of 1,613,104 alleles (0.00031%); highest among the groups gnomAD compares: African/African-American, 0.0013%; no homozygotes.

Submission:

GeneDx
Classification: Uncertain significance. Last evaluated: 2024-12-09. Review status: criteria provided, single submitter. Criteria: GeneDx Variant Classification Process June 2021. Collection method: clinical testing. Allele origin: germline. Affected: yes.
Comment: Not observed at significant frequency in large population cohorts (gnomAD); In silico analysis supports that this missense variant has a deleterious effect on protein structure/function; Has not been previously published as pathogenic or benign to our knowledge